The following is an entry in ClinVar:

NM_007215.4(POLG2):c.1319C>T (p.Thr440Ile)

Genes: POLG2 (DNA polymerase gamma 2, accessory subunit; minus strand), MILR1 (mast cell immunoglobulin like receptor 1; plus strand). Cytogenetic location: 17q23.3.
Variant type: single nucleotide variant.
Coding change: c.1319C>T on transcript NM_007215.4 (MANE Select); coding-DNA position 1319, C replaced by T.
Protein change: p.Thr440Ile; replaces threonine 440 with isoleucine.
Molecular consequence: missense variant.
Genome position (GRCh38, 1-based): chr17:64,477,962, G>A on the plus strand (C>T on the coding strand, the complement: POLG2 is on the minus strand). VCF-style: chr17-64477962-G-A. GRCh37 (hg19) VCF-style: chr17-62474079-G-A.
Other names: short protein forms T440I.
Identifiers: ClinVar variation 546474 (VCV000546474.5), dbSNP rs200118292, ClinGen allele CA293002790.

ClinVar aggregate classification (germline): Uncertain significance. Review status: criteria provided, multiple submitters, no conflicts (2 of 4 stars). 2 submissions from 2 submitters: Uncertain significance (2). Last evaluated 2022-11-09.

Allele frequency attached by ClinVar (database versions not stated): gnomAD exomes below 0.00001 and 0.00001; gnomAD 0.00001; 1000 Genomes Project 30x 0.00016; 1000 Genomes Project 0.00020.
gnomAD v4.1: 8 of 1,613,798 alleles (0.0005%); highest among the groups gnomAD compares: Non-Finnish European, 0.00068%; no homozygotes.

Submissions (2):

Labcorp Genetics (formerly Invitae), Labcorp
Classification: Uncertain significance. Last evaluated: 2022-11-09. Review status: criteria provided, single submitter. Criteria: Invitae Variant Classification Sherloc (09022015). Collection method: clinical testing. Allele origin: germline.
Comment: In summary, the available evidence is currently insufficient to determine the role of this variant in disease. Therefore, it has been classified as a Variant of Uncertain Significance. Algorithms developed to predict the effect of sequence changes on RNA splicing suggest that this variant may disrupt the consensus splice site. Algorithms developed to predict the effect of missense changes on protein structure and function are either unavailable or do not agree on the potential impact of this missense change (SIFT: "Deleterious"; PolyPhen-2: "Probably Damaging"; Align-GVGD: "Class C0"). ClinVar contains an entry for this variant (Variation ID: 546474). This variant has not been reported in the literature in individuals affected with POLG2-related conditions. This variant is not present in population databases (gnomAD no frequency). This sequence change replaces threonine, which is neutral and polar, with isoleucine, which is neutral and non-polar, at codon 440 of the POLG2 protein (p.Thr440Ile).

GeneDx
Classification: Uncertain significance. Last evaluated: 2018-05-21. Review status: criteria provided, single submitter. Criteria: GeneDx Variant Classification (06012015). Collection method: clinical testing. Allele origin: germline. Affected: yes.
Comment: The T440I variant in the POLG2 gene has not been reported previously as a pathogenic variant, nor as a benign variant, to our knowledge. The T440I variant is not observed at a significant frequency in large population cohorts (Lek et al., 2016). The T440I variant is a non-conservative amino acid substitution, which is likely to impact secondary protein structure as these residues differ in polarity, charge, size and/or other properties. In-silico analyses, including protein predictors and evolutionary conservation, support that this variant does not alter protein structure/function. We interpret T440I as a variant of uncertain significance.